The following is an entry in ClinVar:

ClinVar aggregate classification (germline): Uncertain significance (1 of 4 stars; one submission).

Conditions:
Hereditary cancer-predisposing syndrome. Also called: Neoplastic Syndromes, Hereditary; Tumor predisposition; Hereditary Cancer Syndrome; Hereditary neoplastic syndrome. Identifiers: Orphanet 140162, MedGen C0027672, MeSH D009386, MONDO:0015356.

Submission:

Ambry Genetics
Classification: Uncertain significance for Hereditary cancer-predisposing syndrome. Last evaluated: 2026-04-26. Review status: criteria provided, single submitter. Criteria: Ambry Variant Classification Scheme 2023. Collection method: clinical testing. Allele origin: germline.
Comment: The p.G594R variant (also known as c.1780G>A), located in coding exon 14 of the BAP1 gene, results from a G to A substitution at nucleotide position 1780. The glycine at codon 594 is replaced by arginine, an amino acid with dissimilar properties. This amino acid position is conserved. In addition, this alteration is predicted to be tolerated by in silico analysis. Based on the available evidence, the clinical significance of this variant remains unclear.

NM_004656.4(BAP1):c.1780G>A (p.Gly594Arg)

Gene: BAP1 (BRCA1 associated deubiquitinase 1; minus strand). Cytogenetic location: 3p21.1.
Variant type: single nucleotide variant.
Coding change: c.1780G>A on transcript NM_004656.4 (MANE Select); coding-DNA position 1780, G replaced by A.
Protein change: p.Gly594Arg; replaces glycine 594 with arginine.
Molecular consequence: missense variant.
Genome position (GRCh38, 1-based): chr3:52,403,248, C>T on the plus strand (G>A on the coding strand, the complement: BAP1 is on the minus strand). VCF-style: chr3-52403248-C-T. GRCh37 (hg19) VCF-style: chr3-52437264-C-T.
Other names: c.1726G>A, p.Gly576Arg (NM_001410772.1); short protein forms G576R, G594R.
Identifiers: ClinVar variation 4867359 (VCV004867359.1).